The following is an entry in ClinVar:

NM_203446.3(SYNJ1):c.1449T>G (p.Asn483Lys)

Gene: SYNJ1 (synaptojanin 1; minus strand). Cytogenetic location: 21q22.11.
Variant type: single nucleotide variant.
Coding change: c.1449T>G on transcript NM_203446.3 (MANE Select); coding-DNA position 1449, T replaced by G.
Protein change: p.Asn483Lys; replaces asparagine 483 with lysine.
Molecular consequence: missense variant.
Genome position (GRCh38, 1-based): chr21:32,678,706, A>C on the plus strand (T>G on the coding strand, the complement: SYNJ1 is on the minus strand). VCF-style: chr21-32678706-A-C. GRCh37 (hg19) VCF-style: chr21-34051016-A-C.
Other names: c.1449T>G, p.Asn483Lys (NM_001160302.2); c.1458T>G, p.Asn486Lys (NM_001160306.2); c.1566T>G, p.Asn522Lys (NM_003895.4); short protein forms N486K, N483K, N522K.
Identifiers: ClinVar variation 659932 (VCV000659932.9), dbSNP rs1490214505, ClinGen allele CA410089337.
Genomic context (GRCh38, chr21:32,678,706, plus strand): 5'-ACGCAAACTTCCAGTAGTTAAAAGTGCTCGAGCTTTGTCAGCTAAATCACTATTCAGAGT[A>C]TTTCCCAGTAGCAAAACATCAATGGCCTCTTGCTTGGAGCTGTCAAAGAAGTTATTCTGA-3'
Protein context (NP_982271.3, residues 473-493): QEAIDVLLLG[Asn483Lys]TLNSDLADKA

ClinVar aggregate classification (germline): Uncertain significance (1 of 4 stars; one submission).

Conditions:
Developmental and epileptic encephalopathy, 53. Also called: Epileptic encephalopathy, early infantile, 53. Identifiers: MedGen C4479313, MONDO:0033362, OMIM 617389.
Early-onset Parkinson disease 20. Also called: PARKINSON DISEASE 20, AUTOSOMAL RECESSIVE EARLY-ONSET. Identifiers: Orphanet 391411, MedGen C3809824, MONDO:0014233, OMIM 615530.

Submission:

Labcorp Genetics (formerly Invitae), Labcorp
Classification: Uncertain significance for Developmental and epileptic encephalopathy, 53; Early-onset Parkinson disease 20. Last evaluated: 2020-03-06. Review status: criteria provided, single submitter. Criteria: Invitae Variant Classification Sherloc (09022015). Collection method: clinical testing. Allele origin: germline.
Comment: This variant has not been reported in the literature in individuals with SYNJ1-related disease. This sequence change replaces asparagine with lysine at codon 522 of the SYNJ1 protein (p.Asn522Lys). The asparagine residue is moderately conserved and there is a moderate physicochemical difference between asparagine and lysine. This variant is not present in population databases (ExAC no frequency). Algorithms developed to predict the effect of missense changes on protein structure and function (SIFT, PolyPhen-2, Align-GVGD) all suggest that this variant is likely to be tolerated, but these predictions have not been confirmed by published functional studies and their clinical significance is uncertain. In summary, the available evidence is currently insufficient to determine the role of this variant in disease. Therefore, it has been classified as a Variant of Uncertain Significance.